The following is an entry in ClinVar:

ClinVar aggregate classification (germline): Conflicting classifications of pathogenicity. Review status: criteria provided, conflicting classifications (1 of 4 stars). 2 submissions from 2 submitters: Likely pathogenic (1); Uncertain significance (1). Last evaluated 2026-03-17.

Conditions:
F7-related disorder. Also called: F7-related condition.

Allele frequency attached by ClinVar (database versions not stated): ExAC 0.00002; gnomAD exomes 0.00002; gnomAD 0.00003; TOPMed 0.00003; ESP Exome Variant Server 0.00008.
gnomAD v4.1: 28 of 1,611,976 alleles (0.0017%); highest among the groups gnomAD compares: African/African-American, 0.0053%; no homozygotes.

Submissions (2):

PreventionGenetics, part of Exact Sciences
Classification: Likely pathogenic for F7-related condition. Last evaluated: 2026-03-17. Review status: criteria provided, single submitter. Criteria: ACMG Guidelines, 2015. Collection method: clinical testing. Allele origin: germline.
Comment: The F7 c.919C>T variant is predicted to result in the amino acid substitution p.Arg307Cys. This variant has been reported in the compound heterozygous state in twins with Factor VII deficiency (aka p.Arg247Cys, Wulff et al. 2000. PubMed ID: 10862079). This variant is reported in 0.012% of alleles in individuals of African descent in gnomAD. Another substitution of the same amino acid residue, p.Arg307His, has also been reported in a patient with Factor VII deficiency (aka p.Arg247His, Ohiwa et al. 1994. PubMed ID: 7974346) suggesting that amino acid residue p.Arg307 is important for proper protein function. Based on the available evidence, the c.919C>T variant is interpreted as likely pathogenic.

GeneDx
Classification: Uncertain significance. Last evaluated: 2024-07-13. Review status: criteria provided, single submitter. Criteria: GeneDx Variant Classification Process June 2021. Collection method: clinical testing. Allele origin: germline. Affected: yes.
Comment: In silico analysis supports that this missense variant has a deleterious effect on protein structure/function; This variant is associated with the following publications: (PMID: 10862079)

NM_019616.4(F7):c.853C>T (p.Arg285Cys)

Gene: F7 (coagulation factor VII; plus strand). Cytogenetic location: 13q34.
Variant type: single nucleotide variant.
Coding change: c.853C>T on transcript NM_019616.4 (MANE Select); coding-DNA position 853, C replaced by T.
Protein change: p.Arg285Cys; replaces arginine 285 with cysteine.
Molecular consequence: missense variant. On other transcripts: non-coding transcript variant (1).
Genome position (GRCh38, 1-based): chr13:113,118,526, C>T. VCF-style: chr13-113118526-C-T. GRCh37 (hg19) VCF-style: chr13-113772840-C-T.
Other names: c.919C>T, p.Arg307Cys (NM_000131.5); c.667C>T, p.Arg223Cys (NM_001267554.2); short protein forms R223C, R285C, R307C.
Identifiers: ClinVar variation 2574454 (VCV002574454.3), dbSNP rs147680958, ClinGen allele CA7060167.